The following is an entry in ClinVar:

NM_000642.3(AGL):c.289C>T (p.Gln97Ter)

Gene: AGL (amylo-alpha-1,6-glucosidase and 4-alpha-glucanotransferase; plus strand). Cytogenetic location: 1p21.2.
Variant type: single nucleotide variant.
Coding change: c.289C>T on transcript NM_000642.3 (MANE Select); coding-DNA position 289, C replaced by T.
Protein change: p.Gln97Ter; replaces glutamine 97 with a stop codon.
Molecular consequence: nonsense.
Genome position (GRCh38, 1-based): chr1:99,861,709, C>T. VCF-style: chr1-99861709-C-T. GRCh37 (hg19) VCF-style: chr1-100327265-C-T.
Other names: c.289C>T, p.Gln97Ter (NM_000028.3, NM_000643.3, NM_000644.3 and 5 more transcripts); c.241C>T, p.Gln81Ter (NM_000646.3); short protein forms Q97*, Q81*.
Identifiers: ClinVar variation 497124 (VCV000497124.16), dbSNP rs1553183220, ClinGen allele CA341330204.

ClinVar aggregate classification (germline): Pathogenic. Review status: criteria provided, multiple submitters, no conflicts (2 of 4 stars). 4 submissions from 4 submitters: Pathogenic (3). 1 of the submissions does not count toward it. Last evaluated 2025-11-09.

Conditions:
Glycogen storage disease type III (GSD3). Also called: FORBES DISEASE; Cori disease. Identifiers: Orphanet 366, MedGen C0017922, MONDO:0009291, OMIM 232400.

Allele frequency attached by ClinVar (database versions not stated): TOPMed below 0.00001; gnomAD exomes 0.00001.

Submissions (4):

Labcorp Genetics (formerly Invitae), Labcorp
Classification: Pathogenic for Glycogen storage disease type III. Last evaluated: 2025-11-09. Review status: criteria provided, single submitter. Criteria: Invitae Variant Classification Sherloc (09022015). Collection method: clinical testing. Allele origin: germline.
Comment: This sequence change creates a premature translational stop signal (p.Gln97*) in the AGL gene. It is expected to result in an absent or disrupted protein product. Loss-of-function variants in AGL are known to be pathogenic (PMID: 19299494). This variant is not present in population databases (gnomAD no frequency). This variant has not been reported in the literature in individuals affected with AGL-related conditions. ClinVar contains an entry for this variant (Variation ID: 497124). For these reasons, this variant has been classified as Pathogenic.

Genome-Nilou Lab
Classification: Pathogenic for Glycogen storage disease type III. Last evaluated: 2021-07-15. Review status: criteria provided, single submitter. Criteria: ACMG Guidelines, 2015. Collection method: clinical testing. Allele origin: germline. Affected: no.

Eurofins Ntd Llc (ga)
Classification: Pathogenic. Last evaluated: 2016-09-28. Review status: criteria provided, single submitter. Criteria: EGL Classification Definitions 2015. Collection method: clinical testing. Allele origin: germline. Observed: 1 variant allele, 1 heterozygote.

Counsyl
Classification: Likely pathogenic for Glycogen storage disease type III. Last evaluated: 2015-08-05. Review status: no assertion criteria provided. Collection method: clinical testing. Allele origin: unknown. Not counted in ClinVar's aggregate classification.

Literature cited by the submitters: PubMed 19299494 (cited by Labcorp Genetics (formerly Invitae), Labcorp).